The following is an entry in ClinVar:

NM_002334.4(LRP4):c.3022A>G (p.Met1008Val)

Gene: LRP4 (LDL receptor related protein 4; minus strand). Cytogenetic location: 11p11.2.
Variant type: single nucleotide variant.
Coding change: c.3022A>G on transcript NM_002334.4 (MANE Select); coding-DNA position 3022, A replaced by G.
Protein change: p.Met1008Val; replaces methionine 1008 with valine.
Molecular consequence: missense variant.
Genome position (GRCh38, 1-based): chr11:46,879,021, T>C on the plus strand (A>G on the coding strand, the complement: LRP4 is on the minus strand). VCF-style: chr11-46879021-T-C. GRCh37 (hg19) VCF-style: chr11-46900572-T-C.
Other names: short protein forms M1008V.
Identifiers: ClinVar variation 304874 (VCV000304874.13), dbSNP rs886048352, ClinGen allele CA10635022.

ClinVar aggregate classification (germline): Uncertain significance. Review status: criteria provided, multiple submitters, no conflicts (2 of 4 stars). 2 submissions from 2 submitters: Uncertain significance (2). Last evaluated 2020-04-13.

Conditions:
Cenani-Lenz syndactyly syndrome. Also called: SYNDACTYLY, TYPE VII; CENANI SYNDACTYLISM. Identifiers: Orphanet 3258, MedGen C1859309, MONDO:0008931, OMIM 212780.
Congenital myasthenic syndrome 17. Identifiers: Orphanet 590, MedGen C4225377, MONDO:0014578, OMIM 616304.
Sclerosteosis 2 (SOST2). Identifiers: Orphanet 3152, MedGen C3280402, MONDO:0013679, OMIM 614305.

Submissions (2):

Labcorp Genetics (formerly Invitae), Labcorp
Classification: Uncertain significance for Cenani-Lenz syndactyly syndrome; Sclerosteosis 2; Congenital myasthenic syndrome 17. Last evaluated: 2020-04-13. Review status: criteria provided, single submitter. Criteria: Invitae Variant Classification Sherloc (09022015). Collection method: clinical testing. Allele origin: germline.
Comment: In summary, the available evidence is currently insufficient to determine the role of this variant in disease. Therefore, it has been classified as a Variant of Uncertain Significance. Algorithms developed to predict the effect of missense changes on protein structure and function output the following: SIFT: "Tolerated"; PolyPhen-2: "Benign"; Align-GVGD: "Class C0". The valine amino acid residue is found in multiple mammalian species, suggesting that this missense change does not adversely affect protein function. These predictions have not been confirmed by published functional studies and their clinical significance is uncertain. This variant has not been reported in the literature in individuals with LRP4-related conditions. ClinVar contains an entry for this variant (Variation ID: 304874). This variant is not present in population databases (ExAC no frequency). This sequence change replaces methionine with valine at codon 1008 of the LRP4 protein (p.Met1008Val). The methionine residue is weakly conserved and there is a small physicochemical difference between methionine and valine.

Illumina Laboratory Services, Illumina
Classification: Uncertain significance for Cenani-Lenz syndactyly syndrome. Last evaluated: 2018-01-12. Review status: criteria provided, single submitter. Criteria: ICSL Variant Classification Criteria 13 December 2019. Collection method: clinical testing. Allele origin: germline.